The following is an entry in ClinVar:

NM_000130.5(F5):c.6645C>T (p.Arg2215=)

Gene: F5 (coagulation factor V; minus strand). Cytogenetic location: 1q24.2.
Variant type: single nucleotide variant.
Coding change: c.6645C>T on transcript NM_000130.5 (MANE Select); coding-DNA position 6645, C replaced by T.
Protein change: p.Arg2215=; no amino-acid change (arginine 2215 retained).
Molecular consequence: synonymous variant.
Genome position (GRCh38, 1-based): chr1:169,514,343, G>A on the plus strand (C>T on the coding strand, the complement: F5 is on the minus strand). VCF-style: chr1-169514343-G-A. GRCh37 (hg19) VCF-style: chr1-169483581-G-A.
Identifiers: ClinVar variation 2887427 (VCV002887427.12), dbSNP rs777096123, ClinGen allele CA1233189.

ClinVar aggregate classification (germline): Likely benign. Review status: criteria provided, multiple submitters, no conflicts (2 of 4 stars). 3 submissions from 3 submitters: Likely benign (3). Last evaluated 2026-07-09.

Conditions:
Inborn genetic diseases. Identifiers: MedGen C0950123, MeSH D030342.
Congenital factor V deficiency. Also called: LABILE FACTOR DEFICIENCY; OWREN PARAHEMOPHILIA; PARAHEMOPHILIA; Hereditary factor V deficiency disease. Identifiers: Orphanet 326, MedGen C0015499, MONDO:0009210, OMIM 227400.

Allele frequency attached by ClinVar (database versions not stated): gnomAD 0.00001; TOPMed 0.00001; ExAC 0.00002; gnomAD exomes 0.00005.
gnomAD v4.1: 76 of 1,613,170 alleles (0.0047%); highest among the groups gnomAD compares: Non-Finnish European, 0.0063%; no homozygotes.

Submissions (3):

Ambry Genetics
Classification: Likely benign for Inborn genetic diseases. Last evaluated: 2026-07-09. Review status: criteria provided, single submitter. Criteria: Ambry Variant Classification Scheme 2023. Collection method: clinical testing. Allele origin: germline.

CeGaT Center for Human Genetics Tuebingen
Classification: Likely benign. Last evaluated: 2025-08-01. Review status: criteria provided, single submitter. Criteria: CeGaT Center For Human Genetics Tuebingen Variant Classification Criteria Version 2. Collection method: clinical testing. Allele origin: germline. Affected: yes. Observed: 1 variant allele.
Comment: F5: BP4, BP7

Labcorp Genetics (formerly Invitae), Labcorp
Classification: Likely benign for Congenital factor V deficiency. Last evaluated: 2025-01-08. Review status: criteria provided, single submitter. Criteria: Invitae Variant Classification Sherloc (09022015). Collection method: clinical testing. Allele origin: germline.